The following is an entry in ClinVar:

ClinVar aggregate classification (germline): Uncertain significance (1 of 4 stars; one submission).

Conditions:
Hereditary cancer-predisposing syndrome. Also called: Hereditary Cancer Syndrome; Hereditary neoplastic syndrome; Tumor predisposition; Neoplastic Syndromes, Hereditary. Identifiers: Orphanet 140162, MedGen C0027672, MeSH D009386, MONDO:0015356.

Submission:

Ambry Genetics
Classification: Uncertain significance for Hereditary cancer-predisposing syndrome. Last evaluated: 2024-11-21. Review status: criteria provided, single submitter. Criteria: Ambry Variant Classification Scheme 2023. Collection method: clinical testing. Allele origin: germline.
Comment: The p.V19E variant (also known as c.56T>A), located in coding exon 1 of the ALK gene, results from a T to A substitution at nucleotide position 56. The valine at codon 19 is replaced by glutamic acid, an amino acid with dissimilar properties. This amino acid position is conserved. In addition, this alteration is predicted to be tolerated by in silico analysis. Based on the available evidence, the clinical significance of this variant remains unclear.

NM_004304.5(ALK):c.56T>A (p.Val19Glu)

Gene: ALK (ALK receptor tyrosine kinase; minus strand). Cytogenetic location: 2p23.1.
Variant type: single nucleotide variant.
Coding change: c.56T>A on transcript NM_004304.5 (MANE Select); coding-DNA position 56, T replaced by A.
Protein change: p.Val19Glu; replaces valine 19 with glutamic acid.
Molecular consequence: missense variant.
Genome position (GRCh38, 1-based): chr2:29,920,604, A>T on the plus strand (T>A on the coding strand, the complement: ALK is on the minus strand). VCF-style: chr2-29920604-A-T. GRCh37 (hg19) VCF-style: chr2-30143470-A-T.
Other names: short protein forms V19E.
Identifiers: ClinVar variation 3525195 (VCV003525195.1).